The following is an entry in ClinVar:

ClinVar aggregate classification (germline): Uncertain significance (0 of 4 stars; one submission).

Conditions:
DPYSL5-related disorder. Also called: DPYSL5-related condition.

Submission:

PreventionGenetics, part of Exact Sciences
Classification: Uncertain significance for DPYSL5-related condition. Last evaluated: 2024-08-05. Review status: no assertion criteria provided. Collection method: clinical testing. Allele origin: germline.
Comment: The DPYSL5 c.118C>G variant is predicted to result in the amino acid substitution p.Arg40Gly. To our knowledge, this variant has not been reported in the literature or in a large population database, indicating this variant is rare. At this time, the clinical significance of this variant is uncertain due to the absence of conclusive functional and genetic evidence.

NM_020134.4(DPYSL5):c.118C>G (p.Arg40Gly)

Gene: DPYSL5 (dihydropyrimidinase like 5; plus strand). Cytogenetic location: 2p23.3.
Variant type: single nucleotide variant.
Coding change: c.118C>G on transcript NM_020134.4 (MANE Select); coding-DNA position 118, C replaced by G.
Protein change: p.Arg40Gly; replaces arginine 40 with glycine.
Molecular consequence: missense variant.
Genome position (GRCh38, 1-based): chr2:26,898,617, C>G. VCF-style: chr2-26898617-C-G. GRCh37 (hg19) VCF-style: chr2-27121485-C-G.
Other names: c.118C>G, p.Arg40Gly (NM_001253723.2, NM_001253724.2); short protein forms R40G.
Identifiers: ClinVar variation 3347513 (VCV003347513.1).
Genomic context (GRCh38, chr2:26,898,617, plus strand): 5'-GATGACTGCACCCACGAGGCTGACGTCTACATCGAGAATGGCATCATCCAGCAGGTGGGC[C>G]GCGAGCTCATGATCCCTGGCGGGGCCAAGGTGATTGATGCCACAGGAAAACTGGTGATCC-3'
Protein context (NP_064519.2, residues 30-50): IENGIIQQVG[Arg40Gly]ELMIPGGAKV